The following is an entry in ClinVar:

ClinVar aggregate classification (germline): Uncertain significance. Review status: criteria provided, multiple submitters, no conflicts (2 of 4 stars). 4 submissions from 4 submitters: Uncertain significance (4). Last evaluated 2025-11-13.

Conditions:
Inborn genetic diseases. Identifiers: MedGen C0950123, MeSH D030342.
Epidermolysis bullosa simplex, Ogna type (EBS5A). Also called: Pidermolysis bullosa simplex 5A, Ogna type; EPIDERMOLYSIS BULLOSA SIMPLEX 5A, OGNA TYPE. Identifiers: Orphanet 79401, MedGen C0432317, MONDO:0007555, OMIM 131950.
Epidermolysis bullosa simplex 5C, with pyloric atresia (EBS5C). Also called: PLEC-Related Epidermolysis Bullosa with Pyloric Atresia; Epidermolysis bullosa simplex with pyloric atresia; PLEC1-Related Epidermolysis Bullosa with Pyloric Atresia. Identifiers: Orphanet 158684, MedGen C2677349, MONDO:0012807, OMIM 612138.
Autosomal recessive limb-girdle muscular dystrophy type 2Q (LGMDR17). Also called: MUSCULAR DYSTROPHY, LIMB-GIRDLE, AUTOSOMAL RECESSIVE 17. Identifiers: Orphanet 254361, MedGen C3150989, MONDO:0013390, OMIM 613723.
Epidermolysis bullosa simplex with nail dystrophy (EBS5D). Identifiers: MedGen C4225309, MONDO:0014661, OMIM 616487.
Epidermolysis bullosa simplex 5B, with muscular dystrophy (EBS5B). Also called: EPIDERMOLYSIS BULLOSA SIMPLEX AND LIMB-GIRDLE MUSCULAR DYSTROPHY; Epidermolysis bullosa simplex with muscular dystrophy. Identifiers: Orphanet 257, MedGen C2931072, MONDO:0009181, OMIM 226670.

Allele frequency attached by ClinVar (database versions not stated): TOPMed 0.00002; 1000 Genomes Project 30x 0.00016; 1000 Genomes Project 0.00020.
gnomAD v4.1: 69 of 1,594,630 alleles (0.0043%); highest among the groups gnomAD compares: Middle Eastern, 0.017%; no homozygotes.

Submissions (4):

Ambry Genetics
Classification: Uncertain significance for Inborn genetic diseases. Last evaluated: 2025-11-13. Review status: criteria provided, single submitter. Criteria: Ambry Variant Classification Scheme 2023. Collection method: clinical testing. Allele origin: germline.

CeGaT Center for Human Genetics Tuebingen
Classification: Uncertain significance. Last evaluated: 2024-09-01. Review status: criteria provided, single submitter. Criteria: CeGaT Center For Human Genetics Tuebingen Variant Classification Criteria Version 2. Collection method: clinical testing. Allele origin: germline. Affected: yes. Observed: 1 variant allele.
Comment: PLEC: PM2

Labcorp Genetics (formerly Invitae), Labcorp
Classification: Uncertain significance for Autosomal recessive limb-girdle muscular dystrophy type 2Q; Epidermolysis bullosa simplex, Ogna type; Epidermolysis bullosa simplex with nail dystrophy; Epidermolysis bullosa simplex 5C, with pyloric atresia; Epidermolysis bullosa simplex 5B, with muscular dystrophy. Last evaluated: 2023-11-27. Review status: criteria provided, single submitter. Criteria: Invitae Variant Classification Sherloc (09022015). Collection method: clinical testing. Allele origin: germline.
Comment: This sequence change replaces alanine, which is neutral and non-polar, with threonine, which is neutral and polar, at codon 2028 of the PLEC protein (p.Ala2028Thr). The frequency data for this variant in the population databases is considered unreliable, as metrics indicate poor data quality at this position in the gnomAD database. This variant has not been reported in the literature in individuals affected with PLEC-related conditions. ClinVar contains an entry for this variant (Variation ID: 196763). Experimental studies and prediction algorithms are not available or were not evaluated, and the functional significance of this variant is currently unknown. In summary, the available evidence is currently insufficient to determine the role of this variant in disease. Therefore, it has been classified as a Variant of Uncertain Significance.

Eurofins Ntd Llc (ga)
Classification: Uncertain significance. Last evaluated: 2015-03-06. Review status: criteria provided, single submitter. Criteria: EGL Classification Definitions 2015. Collection method: clinical testing. Allele origin: germline. Observed: 1 variant allele, 1 heterozygote.

NM_201384.3(PLEC):c.6001G>A (p.Ala2001Thr)

Gene: PLEC (plectin; minus strand). Cytogenetic location: 8q24.3.
Variant type: single nucleotide variant.
Coding change: c.6001G>A on transcript NM_201384.3 (MANE Select); coding-DNA position 6001, G replaced by A.
Protein change: p.Ala2001Thr; replaces alanine 2001 with threonine.
Molecular consequence: missense variant.
Genome position (GRCh38, 1-based): chr8:143,923,928, C>T on the plus strand (G>A on the coding strand, the complement: PLEC is on the minus strand). VCF-style: chr8-143923928-C-T. GRCh37 (hg19) VCF-style: chr8-144998096-C-T.
Other names: c.6082G>A (NM_000445.3); c.6082G>A, p.Ala2028Thr (NM_000445.5); c.5959G>A, p.Ala1987Thr (NM_201378.4); c.5935G>A, p.Ala1979Thr (NM_201379.3); c.6412G>A, p.Ala2138Thr (NM_201380.4); c.5905G>A, p.Ala1969Thr (NM_201381.3); c.6001G>A, p.Ala2001Thr (NM_201382.4); c.6013G>A, p.Ala2005Thr (NM_201383.3); short protein forms A1969T, A1979T, A1987T, A2001T, A2005T, A2028T, A2138T.
Identifiers: ClinVar variation 196763 (VCV000196763.24), dbSNP rs535202853, ClinGen allele CA244083.